The following is an entry in ClinVar:

NM_002519.3(NPAT):c.2521C>T (p.Pro841Ser)

Gene: NPAT (nuclear protein, coactivator of histone transcription; minus strand). Cytogenetic location: 11q22.3.
Variant type: single nucleotide variant.
Coding change: c.2521C>T on transcript NM_002519.3 (MANE Select); coding-DNA position 2521, C replaced by T.
Protein change: p.Pro841Ser; replaces proline 841 with serine.
Molecular consequence: missense variant.
Genome position (GRCh38, 1-based): chr11:108,172,463, G>A on the plus strand (C>T on the coding strand, the complement: NPAT is on the minus strand). VCF-style: chr11-108172463-G-A. GRCh37 (hg19) VCF-style: chr11-108043190-G-A.
Other names: c.2521C>T, p.Pro841Ser (NM_001321307.1); short protein forms P841S.
Identifiers: ClinVar variation 1792549 (VCV001792549.2), dbSNP rs2496716913, ClinGen allele CA382512801.
Genomic context (GRCh38, chr11:108,172,463, plus strand): 5'-CAAAAGCTGTGCTTGTGGCTGGCATCAACTGTATATATCCTCCATCCTTGGAAACACATG[G>A]TGTAACATTAGCTGAAAAAGCAATGCCATCTTCATTCTGAGTATTGTTTACTGCAGAGTC-3'
Protein context (NP_002510.2, residues 831-851): DGIAFSANVT[Pro841Ser]CVSKDGGYIQ

ClinVar aggregate classification (germline): Uncertain significance (1 of 4 stars; one submission).

Allele frequency attached by ClinVar (database versions not stated): gnomAD exomes below 0.00001.
gnomAD v4.1: 1 of 1,614,112 alleles (0.000062%); highest among the groups gnomAD compares: East Asian, 0.0022%; no homozygotes.

Submission:

Ambry Genetics
Classification: Uncertain significance. Last evaluated: 2022-01-27. Review status: criteria provided, single submitter. Criteria: Ambry Variant Classification Scheme 2023. Collection method: clinical testing. Allele origin: germline.
Comment: The p.P841S variant (also known as c.2521C>T), located in coding exon 13 of the NPAT gene, results from a C to T substitution at nucleotide position 2521. The proline at codon 841 is replaced by serine, an amino acid with similar properties. This amino acid position is conserved. In addition, this alteration is predicted to be tolerated by in silico analysis. Since supporting evidence is limited at this time, the clinical significance of this alteration remains unclear.